The following is an entry in ClinVar:

ClinVar aggregate classification (germline): Uncertain significance. Review status: criteria provided, multiple submitters, no conflicts (2 of 4 stars). 3 submissions from 3 submitters: Uncertain significance (3). Last evaluated 2025-10-01.

Conditions:
Baller-Gerold syndrome (BGS). Also called: CRANIOSYNOSTOSIS WITH RADIAL DEFECTS. Identifiers: Orphanet 1225, MedGen C0265308, MONDO:0009039, OMIM 218600.
Inborn genetic diseases. Identifiers: MedGen C0950123, MeSH D030342.

Allele frequency attached by ClinVar (database versions not stated): gnomAD 0.00003 and 0.00004; gnomAD exomes 0.00003 and 0.00004; TOPMed 0.00003; ExAC 0.00004.
gnomAD v4.1: 49 of 1,609,822 alleles (0.003%); highest among the groups gnomAD compares: Admixed American, 0.0067%; no homozygotes.

Submissions (3):

Labcorp Genetics (formerly Invitae), Labcorp
Classification: Uncertain significance for Baller-Gerold syndrome. Last evaluated: 2025-10-01. Review status: criteria provided, single submitter. Criteria: Invitae Variant Classification Sherloc (09022015). Collection method: clinical testing. Allele origin: germline.
Comment: This sequence change replaces glutamic acid, which is acidic and polar, with aspartic acid, which is acidic and polar, at codon 244 of the RECQL4 protein (p.Glu244Asp). This variant is present in population databases (rs750451940, gnomAD 0.007%). This variant has not been reported in the literature in individuals affected with RECQL4-related conditions. ClinVar contains an entry for this variant (Variation ID: 528996). Invitae Evidence Modeling of protein sequence and biophysical properties (such as structural, functional, and spatial information, amino acid conservation, physicochemical variation, residue mobility, and thermodynamic stability) indicates that this missense variant is not expected to disrupt RECQL4 protein function with a negative predictive value of 80%. In summary, the available evidence is currently insufficient to determine the role of this variant in disease. Therefore, it has been classified as a Variant of Uncertain Significance.

Ambry Genetics
Classification: Uncertain significance for Inborn genetic diseases. Last evaluated: 2025-08-14. Review status: criteria provided, single submitter. Criteria: Ambry Variant Classification Scheme 2023. Collection method: clinical testing. Allele origin: germline.

Revvity Omics, Revvity
Classification: Uncertain significance. Last evaluated: 2020-10-08. Review status: criteria provided, single submitter. Criteria: ACMG Guidelines, 2015. Collection method: clinical testing. Allele origin: germline.

NM_004260.4(RECQL4):c.732A>C (p.Glu244Asp)

Gene: RECQL4 (RecQ like helicase 4; minus strand). Cytogenetic location: 8q24.3.
Variant type: single nucleotide variant.
Coding change: c.732A>C on transcript NM_004260.4 (MANE Select); coding-DNA position 732, A replaced by C.
Protein change: p.Glu244Asp; replaces glutamic acid 244 with aspartic acid.
Molecular consequence: missense variant.
Genome position (GRCh38, 1-based): chr8:144,516,387, T>G on the plus strand (A>C on the coding strand, the complement: RECQL4 is on the minus strand). VCF-style: chr8-144516387-T-G. GRCh37 (hg19) VCF-style: chr8-145741771-T-G.
Other names: short protein forms E244D.
Identifiers: ClinVar variation 528996 (VCV000528996.12), dbSNP rs750451940, ClinGen allele CA4949195.
Genomic context (GRCh38, chr8:144,516,387, plus strand): 5'-CCATCTCCGCTTCTCGCCTCCACTGCTGCTGGGCTGGGGGCTCCCCACACGGATGCTGAC[T>G]TCTTGGAAGGCTGAAGCCTCTGGGCCCTGGGAGCCAGCACCAGGACCAAGGACAGCCGAC-3'
Protein context (NP_004251.4, residues 234-254): SQGPEASAFQ[Glu244Asp]VSIRVGSPQP